The following is an entry in ClinVar:

NM_000444.6(PHEX):c.670C>T (p.Gln224Ter)

Gene: PHEX (phosphate regulating endopeptidase X-linked; plus strand). Cytogenetic location: Xp22.11.
Variant type: single nucleotide variant.
Coding change: c.670C>T on transcript NM_000444.6 (MANE Select); coding-DNA position 670, C replaced by T.
Protein change: p.Gln224Ter; replaces glutamine 224 with a stop codon.
Molecular consequence: nonsense.
Genome position (GRCh38, 1-based): chrX:22,090,435, C>T. VCF-style: chrX-22090435-C-T. GRCh37 (hg19) VCF-style: chrX-22108553-C-T.
Other names: c.670C>T, p.Gln224Ter (NM_001282754.2); short protein forms Q224*.
Identifiers: ClinVar variation 420127 (VCV000420127.9), dbSNP rs948246694, ClinGen allele CA16621313.
Genomic context (GRCh38, chrX:22,090,435, plus strand): 5'-GGTACGTAAGAATTTACAGTGCTAGCAGAATGCTTTCTGTTTTTGTTTTTACAGCTGGAC[C>T]AAGCAACACTCTCCCTGGCCGTGAGGGAAGACTACCTTGATAACAGTACAGAAGCCAAGT-3'

ClinVar aggregate classification (germline): Pathogenic. Review status: criteria provided, multiple submitters, no conflicts (2 of 4 stars). 2 submissions from 2 submitters: Pathogenic (2). Last evaluated 2022-12-16.

Submissions (2):

Labcorp Genetics (formerly Invitae), Labcorp
Classification: Pathogenic. Last evaluated: 2022-12-16. Review status: criteria provided, single submitter. Criteria: Invitae Variant Classification Sherloc (09022015). Collection method: clinical testing. Allele origin: germline.
Comment: This sequence change creates a premature translational stop signal (p.Gln224*) in the PHEX gene. It is expected to result in an absent or disrupted protein product. Loss-of-function variants in PHEX are known to be pathogenic (PMID: 9097956, 9106524, 19219621). This variant is not present in population databases (gnomAD no frequency). This premature translational stop signal has been observed in individual(s) with clinical features of hypophosphatemic rickets (PMID: 15818436, 30682568). ClinVar contains an entry for this variant (Variation ID: 420127). For these reasons, this variant has been classified as Pathogenic.

GeneDx
Classification: Pathogenic. Last evaluated: 2019-06-18. Review status: criteria provided, single submitter. Criteria: GeneDx Variant Classification Process June 2021. Collection method: clinical testing. Allele origin: germline. Affected: yes.
Comment: Observed in a patient with hypophosphatemic rickets in published literature; full publication details are not available to GeneDx (Chou et al., 2005); Nonsense variant predicted to result in protein truncation or nonsense mediated decay in a gene for which loss-of-function is a known mechanism of disease; Not observed in large population cohorts (Lek et al., 2016); This variant is associated with the following publications: (PMID: 30682568, 25525159, 23079138, 15818436)

Literature cited by the submitters: PubMed 9097956 (cited by Labcorp Genetics (formerly Invitae), Labcorp); PubMed 9106524 (cited by Labcorp Genetics (formerly Invitae), Labcorp); PubMed 19219621 (cited by Labcorp Genetics (formerly Invitae), Labcorp); PubMed 15818436 (cited by Labcorp Genetics (formerly Invitae), Labcorp); PubMed 30682568 (cited by Labcorp Genetics (formerly Invitae), Labcorp).